The following is an entry in ClinVar:

NM_000222.3(KIT):c.925+5A>C

Gene: KIT (KIT proto-oncogene, receptor tyrosine kinase; plus strand). Cytogenetic location: 4q12.
Variant type: single nucleotide variant.
Coding change: c.925+5A>C on transcript NM_000222.3 (MANE Select); 5 bases into the intron after coding-DNA position 925, A replaced by C.
Molecular consequence: intron variant.
Genome position (GRCh38, 1-based): chr4:54,703,897, A>C. VCF-style: chr4-54703897-A-C. GRCh37 (hg19) VCF-style: chr4-55570063-A-C.
Other names: c.928+5A>C (NM_001385284.1, NM_001385290.1, NM_001385288.1 and 1 more transcripts); c.925+5A>C (NM_001385285.1, NM_001093772.2, NM_001385286.1 and 1 more transcripts).
Identifiers: ClinVar variation 2126135 (VCV002126135.5), dbSNP rs2475469935, ClinGen allele CA2580071128.
Genomic context (GRCh38, chr4:54,703,897, plus strand): 5'-TTATGCCAATAATACTTTTGGATCAGCAAATGTCACAACAACCTTGGAAGTAGTAGGTAA[A>C]TACCTCTATGGGAATGTTTAAATTACTGGCAGTAGTGAAAGAAGAAATTATTAGACAGTT-3'

ClinVar aggregate classification (germline): Uncertain significance. Review status: criteria provided, multiple submitters, no conflicts (2 of 4 stars). 2 submissions from 2 submitters: Uncertain significance (2). Last evaluated 2026-03-06.

Conditions:
Hereditary cancer-predisposing syndrome. Also called: Hereditary Cancer Syndrome; Hereditary neoplastic syndrome; Neoplastic Syndromes, Hereditary; Tumor predisposition. Identifiers: Orphanet 140162, MedGen C0027672, MeSH D009386, MONDO:0015356.
Gastrointestinal stromal tumor. Also called: Gastrointestinal stroma tumor; Gastrointestinal stromal tumor, somatic. Identifiers: Orphanet 44890, MedGen C0238198, MeSH D046152, MONDO:0011719, OMIM 606764, HP:0100723.

gnomAD v4.1: 1 of 1,606,924 alleles (0.000062%); highest among the groups gnomAD compares: Non-Finnish European, 0.000085%; no homozygotes.

Submissions (2):

Ambry Genetics
Classification: Uncertain significance for Hereditary cancer-predisposing syndrome. Last evaluated: 2026-03-06. Review status: criteria provided, single submitter. Criteria: Ambry Variant Classification Scheme 2023. Collection method: clinical testing. Allele origin: germline.
Comment: The c.925+5A>C intronic variant results from an A to C substitution 5 nucleotides after coding exon 5 in the KIT gene. This nucleotide position is well conserved in available vertebrate species. In silico splice site analysis predicts that this alteration may result in the creation or strengthening of a novel splice donor site. Based on the available evidence, the clinical significance of this variant remains unclear.

Labcorp Genetics (formerly Invitae), Labcorp
Classification: Uncertain significance for Gastrointestinal stromal tumor. Last evaluated: 2021-12-25. Review status: criteria provided, single submitter. Criteria: Invitae Variant Classification Sherloc (09022015). Collection method: clinical testing. Allele origin: germline.
Comment: This variant has not been reported in the literature in individuals affected with KIT-related conditions. This variant is not present in population databases (gnomAD no frequency). This sequence change falls in intron 5 of the KIT gene. It does not directly change the encoded amino acid sequence of the KIT protein. It affects a nucleotide within the consensus splice site. Variants that disrupt the consensus splice site are a relatively common cause of aberrant splicing (PMID: 17576681, 9536098). Algorithms developed to predict the effect of sequence changes on RNA splicing suggest that this variant is not likely to affect RNA splicing. In summary, the available evidence is currently insufficient to determine the role of this variant in disease. Therefore, it has been classified as a Variant of Uncertain Significance.

Literature cited by the submitters: PubMed 17576681 (cited by Labcorp Genetics (formerly Invitae), Labcorp); PubMed 9536098 (cited by Labcorp Genetics (formerly Invitae), Labcorp).